The following is an entry in ClinVar:

ClinVar aggregate classification (germline): Uncertain significance (1 of 4 stars; one submission).

gnomAD v4.1: 1 of 1,612,272 alleles (0.000062%); highest among the groups gnomAD compares: Non-Finnish European, 0.000085%; no homozygotes.

Submission:

GeneDx
Classification: Uncertain significance. Last evaluated: 2024-09-13. Review status: criteria provided, single submitter. Criteria: GeneDx Variant Classification Process June 2021. Collection method: clinical testing. Allele origin: germline. Affected: yes.
Comment: Not observed at significant frequency in large population cohorts (gnomAD); In silico analysis supports that this missense variant has a deleterious effect on protein structure/function; Has not been previously published as pathogenic or benign to our knowledge

NM_014727.3(KMT2B):c.1607C>T (p.Ser536Phe)

Gene: KMT2B (lysine methyltransferase 2B; plus strand). Cytogenetic location: 19q13.12.
Variant type: single nucleotide variant.
Coding change: c.1607C>T on transcript NM_014727.3 (MANE Select); coding-DNA position 1607, C replaced by T.
Protein change: p.Ser536Phe; replaces serine 536 with phenylalanine.
Molecular consequence: missense variant.
Genome position (GRCh38, 1-based): chr19:35,720,954, C>T. VCF-style: chr19-35720954-C-T. GRCh37 (hg19) VCF-style: chr19-36211856-C-T.
Other names: short protein forms S536F.
Identifiers: ClinVar variation 3769724 (VCV003769724.1).
Genomic context (GRCh38, chr19:35,720,954, plus strand): 5'-AAAGCACCACCTTCCTGAAGAATATCCGGCAGTTTATTATGCCTGTGGTGAGTGCCCGCT[C>T]CTCCCGTGTCATCAAGACACCCCGGCGATTTATGGATGAAGACCCCCCCAAACCCCCAAA-3'
Protein context (NP_055542.1, residues 526-546): QFIMPVVSAR[Ser536Phe]SRVIKTPRRF